The following is an entry in ClinVar:

ClinVar aggregate classification (germline): Uncertain significance (1 of 4 stars; one submission).

Submission:

Ambry Genetics
Classification: Uncertain significance. Last evaluated: 2021-10-31. Review status: criteria provided, single submitter. Criteria: Ambry Variant Classification Scheme 2023. Collection method: clinical testing. Allele origin: germline.
Comment: The p.D503E variant (also known as c.1509T>A), located in coding exon 13 of the NPAT gene, results from a T to A substitution at nucleotide position 1509. The aspartic acid at codon 503 is replaced by glutamic acid, an amino acid with highly similar properties. This amino acid position is conserved. In addition, this alteration is predicted to be tolerated by in silico analysis. Since supporting evidence is limited at this time, the clinical significance of this alteration remains unclear.

NM_002519.3(NPAT):c.1509T>A (p.Asp503Glu)

Gene: NPAT (nuclear protein, coactivator of histone transcription; minus strand). Cytogenetic location: 11q22.3.
Variant type: single nucleotide variant.
Coding change: c.1509T>A on transcript NM_002519.3 (MANE Select); coding-DNA position 1509, T replaced by A.
Protein change: p.Asp503Glu; replaces aspartic acid 503 with glutamic acid.
Molecular consequence: missense variant.
Genome position (GRCh38, 1-based): chr11:108,173,475, A>T on the plus strand (T>A on the coding strand, the complement: NPAT is on the minus strand). VCF-style: chr11-108173475-A-T. GRCh37 (hg19) VCF-style: chr11-108044202-A-T.
Other names: c.1509T>A, p.Asp503Glu (NM_001321307.1); short protein forms D503E.
Identifiers: ClinVar variation 1774142 (VCV001774142.2), dbSNP rs2496721021, ClinGen allele CA382514985.